The following is an entry in ClinVar:

NM_001010892.3(RSPH4A):c.1121G>A (p.Arg374His)

Gene: RSPH4A (radial spoke head component 4A; plus strand). Cytogenetic location: 6q22.1.
Variant type: single nucleotide variant.
Coding change: c.1121G>A on transcript NM_001010892.3 (MANE Select); coding-DNA position 1121, G replaced by A.
Protein change: p.Arg374His; replaces arginine 374 with histidine.
Molecular consequence: missense variant.
Genome position (GRCh38, 1-based): chr6:116,627,828, G>A. VCF-style: chr6-116627828-G-A. GRCh37 (hg19) VCF-style: chr6-116948991-G-A.
Other names: c.1121G>A, p.Arg374His (NM_001161664.2); short protein forms R374H.
Identifiers: ClinVar variation 229204 (VCV000229204.11), dbSNP rs141217974, ClinGen allele CA3970901.
Genomic context (GRCh38, chr6:116,627,828, plus strand): 5'-GCTTCTGGGGAAAGATCTTGGGTCTGGAAATGAATTATATTGTAGCTGAAGTGGAATTTC[G>A]TGAGGGGGAAGATGAAGAGGAAGTGGAAGAGGAAGATGTAGCTGAAGAGAGGGACAATGG-3'
Protein context (NP_001010892.1, residues 364-384): MNYIVAEVEF[Arg374His]EGEDEEEVEE

ClinVar aggregate classification (germline): Uncertain significance. Review status: criteria provided, multiple submitters, no conflicts (2 of 4 stars). 2 submissions from 2 submitters: Uncertain significance (2). Last evaluated 2022-07-20.

Conditions:
Primary ciliary dyskinesia. Also called: Ciliary dyskinesia. Identifiers: Orphanet 244, MedGen C0008780, MONDO:0016575, HP:0012265.

Allele frequency attached by ClinVar (database versions not stated): gnomAD 0.00002; TOPMed 0.00002; gnomAD exomes 0.00004 and 0.00005; ExAC 0.00007; ESP Exome Variant Server 0.00008; 1000 Genomes Project 30x 0.00016; 1000 Genomes Project 0.00020.

Submissions (2):

Labcorp Genetics (formerly Invitae), Labcorp
Classification: Uncertain significance for Primary ciliary dyskinesia. Last evaluated: 2022-07-20. Review status: criteria provided, single submitter. Criteria: Invitae Variant Classification Sherloc (09022015). Collection method: clinical testing. Allele origin: germline.
Comment: This sequence change replaces arginine, which is basic and polar, with histidine, which is basic and polar, at codon 374 of the RSPH4A protein (p.Arg374His). This variant is present in population databases (rs141217974, gnomAD 0.01%). This variant has not been reported in the literature in individuals affected with RSPH4A-related conditions. ClinVar contains an entry for this variant (Variation ID: 229204). Algorithms developed to predict the effect of missense changes on protein structure and function output the following: SIFT: "Deleterious"; PolyPhen-2: "Benign"; Align-GVGD: "Class C0". The histidine amino acid residue is found in multiple mammalian species, which suggests that this missense change does not adversely affect protein function. In summary, the available evidence is currently insufficient to determine the role of this variant in disease. Therefore, it has been classified as a Variant of Uncertain Significance.

Laboratory for Molecular Medicine, Mass General Brigham Personalized Medicine
Classification: Uncertain significance. Last evaluated: 2015-12-09. Review status: criteria provided, single submitter. Criteria: LMM Criteria. Collection method: clinical testing. Allele origin: germline. Observed: 1 variant allele.
Comment: Variant classified as Uncertain Significance - Favor Benign. The p.Arg374His var iant in RSPH4A has not been previously identified in individuals with pulmonary disease, but has been identified in 6/66694 European chromosomes by the Exome Ag gregation Consortium (ExAC; dbSNP rs141217974). The affected amino acid is not well conserved in evolution with several mammalia n and bird species carrying the variant. This suggests that this variant may be tolerated. In summary, the clinical significance of the p.Arg374His variant is uncertain although it is suspected to be more likely benign.